The following is an entry in ClinVar:

ClinVar aggregate classification (germline): Uncertain significance (1 of 4 stars; one submission).

Conditions:
Inborn genetic diseases. Identifiers: MedGen C0950123, MeSH D030342.

gnomAD v4.1: 1 of 1,529,886 alleles (0.000065%); highest among the groups gnomAD compares: Non-Finnish European, 0.000089%; no homozygotes.

Submission:

Ambry Genetics
Classification: Uncertain significance for Inborn genetic diseases. Last evaluated: 2025-03-24. Review status: criteria provided, single submitter. Criteria: Ambry Variant Classification Scheme 2023. Collection method: clinical testing. Allele origin: germline.
Comment: The p.K662E variant (also known as c.1984A>G), located in coding exon 14 of the ERCC6L2 gene, results from an A to G substitution at nucleotide position 1984. The lysine at codon 662 is replaced by glutamic acid, an amino acid with similar properties. This amino acid position is conserved. In addition, the in silico prediction for this alteration is inconclusive. Based on the available evidence, the clinical significance of this variant remains unclear.

NM_020207.7(ERCC6L2):c.1984A>G (p.Lys662Glu)

Gene: ERCC6L2 (ERCC excision repair 6 like 2; plus strand). Cytogenetic location: 9q22.32.
Variant type: single nucleotide variant.
Coding change: c.1984A>G on transcript NM_020207.7 (MANE Select); coding-DNA position 1984, A replaced by G.
Protein change: p.Lys662Glu; replaces lysine 662 with glutamic acid.
Molecular consequence: missense variant. On other transcripts: non-coding transcript variant (1).
Genome position (GRCh38, 1-based): chr9:95,966,598, A>G. VCF-style: chr9-95966598-A-G. GRCh37 (hg19) VCF-style: chr9-98728880-A-G.
Other names: c.1984A>G, p.Lys662Glu (NM_001010895.4, NM_001375291.1, NM_001375292.1 and 2 more transcripts); short protein forms K662E.
Identifiers: ClinVar variation 4019258 (VCV004019258.1).